The following is an entry in ClinVar:

ClinVar aggregate classification (germline): Likely pathogenic. Review status: criteria provided, multiple submitters, no conflicts (2 of 4 stars). 2 submissions from 2 submitters: Likely pathogenic (2). Last evaluated 2025-08-26.

Conditions:
Short-rib thoracic dysplasia 6 with or without polydactyly (SRTD6). Also called: SHORT RIB-POLYDACTYLY SYNDROME, TYPE IIA; SHORT-RIB THORACIC DYSPLASIA 6 WITH POLYDACTYLY; SHORT-RIB THORACIC DYSPLASIA 6 WITHOUT POLYDACTYLY; POLYDACTYLY WITH NEONATAL CHONDRODYSTROPHY, TYPE II; Majewski Syndrome. Identifiers: MedGen C0024507, MONDO:0009894, OMIM 263520.

Allele frequency attached by ClinVar (database versions not stated): TOPMed 0.00002.

Submissions (2):

Variantyx, Inc.
Classification: Likely pathogenic for Short-rib thoracic dysplasia 6 with or without polydactyly. Last evaluated: 2025-08-26. Review status: criteria provided, single submitter. Criteria: Variantyx Assertion Criteria 2022. Collection method: clinical testing. Allele origin: germline. Inheritance: Autosomal recessive inheritance. Affected: yes.
Comment: This is a canonical splicing variant in the NEK1 gene (OMIM: 604588). Pathogenic variants in this gene have been associated with autosomal recessive short-rib thoracic dysplasia 6 with or without polydactyly. Although loss of function is a known disease mechanism for NEK1 in this disorder, the functional consequence of this splicing variant cannot be predicted with certainty (PMID: 22499340, 29068549, 35495032, 32920598) (PVS1_Moderate). The clinical symptoms reported for this proband are highly specific for autosomal recessive short-rib thoracic dysplasia 6 with or without polydactyly, which has a limited genetic etiology (PMID: 21211617) (PP4_Moderate). This variant is absent from control populations (PM2_Moderate). Based on the current evidence, this variant is classified as likely pathogenic for autosomal recessive short-rib thoracic dysplasia 6 with or without polydactyly.

Labcorp Genetics (formerly Invitae), Labcorp
Classification: Likely pathogenic for Short-rib thoracic dysplasia 6 with or without polydactyly. Last evaluated: 2022-10-24. Review status: criteria provided, single submitter. Criteria: Invitae Variant Classification Sherloc (09022015). Collection method: clinical testing. Allele origin: germline.
Comment: This sequence change affects a donor splice site in intron 11 of the NEK1 gene. It is expected to disrupt RNA splicing. Variants that disrupt the donor or acceptor splice site typically lead to a loss of protein function (PMID: 16199547), and loss-of-function variants in NEK1 are known to be pathogenic (PMID: 22499340, 29068549). This variant is not present in population databases (gnomAD no frequency). This variant has not been reported in the literature in individuals affected with NEK1-related conditions. Algorithms developed to predict the effect of sequence changes on RNA splicing suggest that this variant may disrupt the consensus splice site. In summary, the currently available evidence indicates that the variant is pathogenic, but additional data are needed to prove that conclusively. Therefore, this variant has been classified as Likely Pathogenic.

Literature cited by the submitters: PubMed 22499340 (cited by Variantyx, Inc. and Labcorp Genetics (formerly Invitae), Labcorp); PubMed 29068549 (cited by Variantyx, Inc. and Labcorp Genetics (formerly Invitae), Labcorp); PubMed 35495032 (cited by Variantyx, Inc.); PubMed 32920598 (cited by Variantyx, Inc.); PubMed 16199547 (cited by Labcorp Genetics (formerly Invitae), Labcorp).

NM_001199397.3(NEK1):c.1020+1G>A

Gene: NEK1 (NIMA related kinase 1; minus strand). Cytogenetic location: 4q33.
Variant type: single nucleotide variant.
Coding change: c.1020+1G>A on transcript NM_001199397.3 (MANE Select); the canonical splice donor site of the intron after coding-DNA position 1020, G replaced by A.
Molecular consequence: splice donor variant.
Genome position (GRCh38, 1-based): chr4:169,576,927, C>T on the plus strand (G>A on the coding strand, the complement: NEK1 is on the minus strand). VCF-style: chr4-169576927-C-T. GRCh37 (hg19) VCF-style: chr4-170498078-C-T.
Other names: c.1020+1G>A (NM_001374421.1, NM_001374420.1, NM_001199399.3 and 7 more transcripts).
Identifiers: ClinVar variation 2414127 (VCV002414127.7), dbSNP rs980051423, ClinGen allele CA109916481.